The following is an entry in ClinVar:

ClinVar aggregate classification (germline): Likely benign. Review status: criteria provided, multiple submitters, no conflicts (2 of 4 stars). 2 submissions from 2 submitters: Likely benign (2). Last evaluated 2025-07-31.

Conditions:
PRPH2-related disorder. Also called: PRPH2-related disorders; PRPH2-related condition. Identifiers: MedGen CN239395.

Allele frequency attached by ClinVar (database versions not stated): TOPMed 0.00001.

Submissions (2):

PreventionGenetics, part of Exact Sciences
Classification: Likely benign for PRPH2-related condition. Last evaluated: 2025-07-31. Review status: criteria provided, single submitter. Criteria: ACMG Guidelines, 2015. Collection method: clinical testing. Allele origin: germline.
Comment: This variant is classified as likely benign based on ACMG/AMP sequence variant interpretation guidelines (Richards et al. 2015 PMID: 25741868, with internal and published modifications).

Labcorp Genetics (formerly Invitae), Labcorp
Classification: Likely benign for PRPH2-related disorder. Last evaluated: 2025-07-07. Review status: criteria provided, single submitter. Criteria: Invitae Variant Classification Sherloc (09022015). Collection method: clinical testing. Allele origin: germline.

NM_000322.5(PRPH2):c.882C>T (p.Ser294=)

Gene: PRPH2 (peripherin 2; minus strand). Cytogenetic location: 6p21.1.
Variant type: single nucleotide variant.
Coding change: c.882C>T on transcript NM_000322.5 (MANE Select); coding-DNA position 882, C replaced by T.
Protein change: p.Ser294=; no amino-acid change (serine 294 retained).
Molecular consequence: synonymous variant.
Genome position (GRCh38, 1-based): chr6:42,698,454, G>A on the plus strand (C>T on the coding strand, the complement: PRPH2 is on the minus strand). VCF-style: chr6-42698454-G-A. GRCh37 (hg19) VCF-style: chr6-42666192-G-A.
Other names: c.882C>T (NM_000322.4).
Identifiers: ClinVar variation 2059012 (VCV002059012.5), dbSNP rs1039119330, ClinGen allele CA138166844.